The following is an entry in ClinVar:

ClinVar aggregate classification (germline): Uncertain significance (1 of 4 stars; one submission).

Conditions:
Hereditary pancreatitis (PCTT). Also called: Hereditary chronic pancreatitis; PRSS1-Related Hereditary Pancreatitis. Identifiers: Orphanet 676, MedGen C0238339, MONDO:0008185, OMIM 167800.

Allele frequency attached by ClinVar (database versions not stated): ExAC 0.00001.

Submission:

Ambry Genetics
Classification: Uncertain significance for Hereditary pancreatitis. Last evaluated: 2025-02-26. Review status: criteria provided, single submitter. Criteria: Ambry Variant Classification Scheme 2023. Collection method: clinical testing. Allele origin: germline.
Comment: The p.K138N variant (also known as c.414G>C), located in coding exon 3 of the PRSS1 gene, results from a G to C substitution at nucleotide position 414. The lysine at codon 138 is replaced by asparagine, an amino acid with similar properties. This amino acid position is conserved. In addition, this alteration is predicted to be tolerated by in silico analysis. Since supporting evidence is limited at this time, the clinical significance of this alteration remains unclear.

NM_002769.5(PRSS1):c.414G>C (p.Lys138Asn)

Genes: PRSS1 (serine protease 1; plus strand), TRB (T cell receptor beta locus; plus strand). Cytogenetic location: 7q34.
Variant type: single nucleotide variant.
Coding change: c.414G>C on transcript NM_002769.5 (MANE Select); coding-DNA position 414, G replaced by C.
Protein change: p.Lys138Asn; replaces lysine 138 with asparagine.
Molecular consequence: missense variant. On other transcripts: non-coding transcript variant (5).
Genome position (GRCh38, 1-based): chr7:142,751,987, G>C. VCF-style: chr7-142751987-G-C. GRCh37 (hg19) VCF-style: chr7-142459838-G-C.
Other names: short protein forms K138N.
Identifiers: ClinVar variation 1738248 (VCV001738248.3), dbSNP rs749482440, ClinGen allele CA4529960.